The following is an entry in ClinVar:

ClinVar aggregate classification (germline): Uncertain significance. Review status: criteria provided, multiple submitters, no conflicts (2 of 4 stars). 2 submissions from 2 submitters: Uncertain significance (2). Last evaluated 2024-10-29.

Allele frequency attached by ClinVar (database versions not stated): 1000 Genomes Project 30x 0.00016; 1000 Genomes Project 0.00020; ExAC 0.00001; gnomAD 0.00001; TOPMed 0.00003; ESP Exome Variant Server 0.00008.

Submissions (2):

Labcorp Genetics (formerly Invitae), Labcorp
Classification: Uncertain significance. Last evaluated: 2024-10-29. Review status: criteria provided, single submitter. Criteria: Invitae Variant Classification Sherloc (09022015). Collection method: clinical testing. Allele origin: germline.
Comment: This sequence change replaces arginine, which is basic and polar, with histidine, which is basic and polar, at codon 168 of the PDZD7 protein (p.Arg168His). This variant is present in population databases (rs138858487, gnomAD 0.003%). This variant has not been reported in the literature in individuals affected with PDZD7-related conditions. ClinVar contains an entry for this variant (Variation ID: 2697897). Invitae Evidence Modeling of protein sequence and biophysical properties (such as structural, functional, and spatial information, amino acid conservation, physicochemical variation, residue mobility, and thermodynamic stability) indicates that this missense variant is not expected to disrupt PDZD7 protein function with a negative predictive value of 80%. In summary, the available evidence is currently insufficient to determine the role of this variant in disease. Therefore, it has been classified as a Variant of Uncertain Significance.

GeneDx
Classification: Uncertain significance. Last evaluated: 2024-07-10. Review status: criteria provided, single submitter. Criteria: GeneDx Variant Classification Process June 2021. Collection method: clinical testing. Allele origin: germline. Affected: yes.
Comment: Not observed at significant frequency in large population cohorts (gnomAD); In silico analysis supports that this missense variant has a deleterious effect on protein structure/function; Has not been previously published as pathogenic or benign to our knowledge

NM_001195263.2(PDZD7):c.503G>A (p.Arg168His)

Gene: PDZD7 (PDZ domain containing 7; minus strand). Cytogenetic location: 10q24.31.
Variant type: single nucleotide variant.
Coding change: c.503G>A on transcript NM_001195263.2 (MANE Select); coding-DNA position 503, G replaced by A.
Protein change: p.Arg168His; replaces arginine 168 with histidine.
Molecular consequence: missense variant.
Genome position (GRCh38, 1-based): chr10:101,023,475, C>T on the plus strand (G>A on the coding strand, the complement: PDZD7 is on the minus strand). VCF-style: chr10-101023475-C-T. GRCh37 (hg19) VCF-style: chr10-102783232-C-T.
Other names: c.503G>A (NM_001195263.1); c.503G>A, p.Arg168His (NM_001351044.2, NM_024895.5); short protein forms R168H.
Identifiers: ClinVar variation 2697897 (VCV002697897.4), dbSNP rs138858487, ClinGen allele CA5654366.
Genomic context (GRCh38, chr10:101,023,475, plus strand): 5'-GATGAGGGAGTTGCTGCTCACCACGTGGTCTTCTCCTTGGAGAACTTGATGCCCGGCACA[C>T]GGCCCATGCGCCGAACCATCATGTGCAGGCGGCTGCTGCTGGTCAGCACCTTTACGGCGC-3'
Protein context (NP_001182192.1, residues 158-178): RLHMMVRRMG[Arg168His]VPGIKFSKEK